The following is an entry in ClinVar:

NM_000044.6(AR):c.902A>G (p.Lys301Arg)

Gene: AR (androgen receptor; plus strand). Cytogenetic location: Xq12.
Variant type: single nucleotide variant.
Coding change: c.902A>G on transcript NM_000044.6 (MANE Select); coding-DNA position 902, A replaced by G.
Protein change: p.Lys301Arg; replaces lysine 301 with arginine.
Molecular consequence: missense variant. On other transcripts: 5 prime UTR variant (1).
Genome position (GRCh38, 1-based): chrX:67,546,048, A>G. VCF-style: chrX-67546048-A-G. GRCh37 (hg19) VCF-style: chrX-66765890-A-G.
Other names: c.-882A>G (NM_001011645.3); c.902A>G, p.Lys301Arg (NM_001348061.1, NM_001348063.1, NM_001348064.1); short protein forms K301R.
Identifiers: ClinVar variation 2445389 (VCV002445389.3), dbSNP rs1452728096, ClinGen allele CA413425885.

ClinVar aggregate classification (germline): Conflicting classifications of pathogenicity. Review status: criteria provided, conflicting classifications (1 of 4 stars). 2 submissions from 2 submitters: Likely pathogenic (1); Uncertain significance (1). Last evaluated 2024-04-05.

Conditions:
Ovarian cancer. Also called: OVARIAN CANCER, SOMATIC. Identifiers: Orphanet 213500, MedGen C1140680, MONDO:0008170, OMIM 167000.

Submissions (2):

Women's Health and Genetics/Laboratory Corporation of America, LabCorp
Classification: Uncertain significance. Last evaluated: 2024-04-05. Review status: criteria provided, single submitter. Criteria: LabCorp Variant Classification Summary - May 2015. Collection method: clinical testing. Allele origin: germline.
Comment: Variant summary: AR c.902A>G (p.Lys301Arg) results in a conservative amino acid change in the encoded protein sequence. Three of five in-silico tools predict a benign effect of the variant on protein function. The variant was absent in 183308 control chromosomes (gnomAD). The available data on variant occurrences in the general population are insufficient to allow any conclusion about variant significance. c.902A>G has been reported in the literature in a hemizygous individual affected with micropenis (Xie_2022). These data do not allow any conclusion about variant significance. To our knowledge, no experimental evidence demonstrating an impact on protein function has been reported. The following publication has been ascertained in the context of this evaluation (PMID: 35729303). ClinVar contains an entry for this variant (Variation ID: 2445389). Based on the evidence outlined above, the variant was classified as uncertain significance.

Laboratory of Molecular Epidemiology of Birth Defects, West China Second University Hospital, Sichuan University
Classification: Likely pathogenic for Ovarian cancer. Last evaluated: 2022-01-01. Review status: criteria provided, single submitter. Criteria: ACMG Guidelines, 2015. Collection method: clinical testing. Allele origin: germline. Affected: yes.

Literature cited by the submitters: PubMed 35729303 (cited by Women's Health and Genetics/Laboratory Corporation of America, LabCorp).